The following is an entry in ClinVar:

NM_203446.3(SYNJ1):c.3318G>C (p.Lys1106Asn)

Gene: SYNJ1 (synaptojanin 1; minus strand). Cytogenetic location: 21q22.11.
Variant type: single nucleotide variant.
Coding change: c.3318G>C on transcript NM_203446.3 (MANE Select); coding-DNA position 3318, G replaced by C.
Protein change: p.Lys1106Asn; replaces lysine 1106 with asparagine.
Molecular consequence: missense variant.
Genome position (GRCh38, 1-based): chr21:32,645,719, C>G on the plus strand (G>C on the coding strand, the complement: SYNJ1 is on the minus strand). VCF-style: chr21-32645719-C-G. GRCh37 (hg19) VCF-style: chr21-34018029-C-G.
Other names: c.3318G>C, p.Lys1106Asn (NM_001160302.2); c.3303G>C, p.Lys1101Asn (NM_001160306.2); c.3435G>C, p.Lys1145Asn (NM_003895.4); short protein forms K1106N, K1145N, K1101N.
Identifiers: ClinVar variation 1470118 (VCV001470118.4), dbSNP rs1172188985, ClinGen allele CA410068300.

ClinVar aggregate classification (germline): Uncertain significance (1 of 4 stars; one submission).

Conditions:
Developmental and epileptic encephalopathy, 53. Also called: Epileptic encephalopathy, early infantile, 53. Identifiers: MedGen C4479313, MONDO:0033362, OMIM 617389.
Early-onset Parkinson disease 20. Also called: PARKINSON DISEASE 20, AUTOSOMAL RECESSIVE EARLY-ONSET. Identifiers: Orphanet 391411, MedGen C3809824, MONDO:0014233, OMIM 615530.

Allele frequency attached by ClinVar (database versions not stated): gnomAD 0.00001; TOPMed 0.00001.

Submission:

Labcorp Genetics (formerly Invitae), Labcorp
Classification: Uncertain significance for Developmental and epileptic encephalopathy, 53; Early-onset Parkinson disease 20. Last evaluated: 2021-09-25. Review status: criteria provided, single submitter. Criteria: Invitae Variant Classification Sherloc (09022015). Collection method: clinical testing. Allele origin: germline.
Comment: In summary, the available evidence is currently insufficient to determine the role of this variant in disease. Therefore, it has been classified as a Variant of Uncertain Significance. Algorithms developed to predict the effect of missense changes on protein structure and function are either unavailable or do not agree on the potential impact of this missense change (SIFT: "Deleterious"; PolyPhen-2: "Probably Damaging"; Align-GVGD: "Class C0"). This variant has not been reported in the literature in individuals affected with SYNJ1-related conditions. The frequency data for this variant in the population databases is considered unreliable, as metrics indicate insufficient coverage at this position in the ExAC database. This sequence change replaces lysine with asparagine at codon 1145 of the SYNJ1 protein (p.Lys1145Asn). The lysine residue is moderately conserved and there is a moderate physicochemical difference between lysine and asparagine.